The following is an entry in ClinVar:

ClinVar aggregate classification (germline): Uncertain significance. Review status: criteria provided, multiple submitters, no conflicts (2 of 4 stars). 3 submissions from 3 submitters: Uncertain significance (2). 1 of the submissions does not count toward it. Last evaluated 2024-10-15.

Conditions:
Sialuria. Also called: Sialic Acid Storage Disease; SIALURIA, FRENCH TYPE. Identifiers: Orphanet 3166, MedGen C0342853, MONDO:0010028, OMIM 269921.
GNE myopathy (NM). Also called: NONAKA DISTAL MYOPATHY; IBM 2; Inclusion body myopathy autosomal recessive; Inclusion body myopathy quadriceps sparing; INCLUSION BODY MYOPATHY, HEREDITARY, AUTOSOMAL RECESSIVE; INCLUSION BODY MYOPATHY 2, AUTOSOMAL RECESSIVE. Identifiers: Orphanet 602, MedGen C1853926, MONDO:0011603, OMIM 605820.

Allele frequency attached by ClinVar (database versions not stated): gnomAD 0.00001 and 0.00002; gnomAD exomes 0.00001 and 0.00003; ExAC 0.00002; TOPMed 0.00003; 1000 Genomes Project 30x 0.00016; 1000 Genomes Project 0.00020.
gnomAD v4.1: 16 of 1,614,122 alleles (0.00099%); highest among the groups gnomAD compares: African/African-American, 0.0013%; no homozygotes.

Submissions (3):

Labcorp Genetics (formerly Invitae), Labcorp
Classification: Uncertain significance for Sialuria; GNE myopathy. Last evaluated: 2024-10-15. Review status: criteria provided, single submitter. Criteria: Invitae Variant Classification Sherloc (09022015). Collection method: clinical testing. Allele origin: germline.
Comment: This sequence change replaces alanine, which is neutral and non-polar, with threonine, which is neutral and polar, at codon 736 of the GNE protein (p.Ala736Thr). This variant is present in population databases (rs201216576, gnomAD 0.02%). This variant has not been reported in the literature in individuals affected with GNE-related conditions. ClinVar contains an entry for this variant (Variation ID: 288495). Invitae Evidence Modeling of protein sequence and biophysical properties (such as structural, functional, and spatial information, amino acid conservation, physicochemical variation, residue mobility, and thermodynamic stability) has been performed for this missense variant. However, the output from this modeling did not meet the statistical confidence thresholds required to predict the impact of this variant on GNE protein function. In summary, the available evidence is currently insufficient to determine the role of this variant in disease. Therefore, it has been classified as a Variant of Uncertain Significance.

Eurofins Ntd Llc (ga)
Classification: Uncertain significance. Last evaluated: 2016-06-06. Review status: criteria provided, single submitter. Criteria: EGL Classification Definitions 2015. Collection method: clinical testing. Allele origin: germline. Observed: 1 variant allele, 1 heterozygote.

Natera, Inc.
Classification: Uncertain significance for Nonaka myopathy. Last evaluated: 2020-01-24. Review status: no assertion criteria provided. Collection method: clinical testing. Allele origin: germline. Not counted in ClinVar's aggregate classification.

NM_005476.7(GNE):c.2113G>A (p.Ala705Thr)

Gene: GNE (glucosamine (UDP-N-acetyl)-2-epimerase/N-acetylmannosamine kinase; minus strand). Cytogenetic location: 9p13.3.
Variant type: single nucleotide variant.
Coding change: c.2113G>A on transcript NM_005476.7 (MANE Select); coding-DNA position 2113, G replaced by A.
Protein change: p.Ala705Thr; replaces alanine 705 with threonine.
Molecular consequence: missense variant.
Genome position (GRCh38, 1-based): chr9:36,217,421, C>T on the plus strand (G>A on the coding strand, the complement: GNE is on the minus strand). VCF-style: chr9-36217421-C-T. GRCh37 (hg19) VCF-style: chr9-36217418-C-T.
Other names: c.2206G>A, p.Ala736Thr (NM_001128227.3); c.1891G>A, p.Ala631Thr (NM_001190383.3); c.1783G>A, p.Ala595Thr (NM_001190384.3); c.1936G>A, p.Ala646Thr (NM_001190388.2, NM_001374798.1); c.1960G>A, p.Ala654Thr (NM_001374797.1); short protein forms A736T, A705T, A631T, A595T, A646T, A654T.
Identifiers: ClinVar variation 288495 (VCV000288495.11), dbSNP rs201216576, ClinGen allele CA5056345.
Genomic context (GRCh38, chr9:36,217,421, plus strand): 5'-AGGTCTAGTAGATCCTGCGTGTTGTGTAGTCCAGAACCATGCTGGCAGCACCCAGCAGGG[C>T]GGGGTCAACCAAATCCGAAACCACCACATCCACGTCCTGCACGGAGGACAAGGCCTGCTG-3'
Protein context (NP_005467.1, residues 695-715): DVVVSDLVDP[Ala705Thr]LLGAASMVLD